The following is an entry in ClinVar:

NM_000059.4(BRCA2):c.4433T>G (p.Leu1478Arg)

Gene: BRCA2 (BRCA2 DNA repair associated; plus strand). Cytogenetic location: 13q13.1.
Variant type: single nucleotide variant.
Coding change: c.4433T>G on transcript NM_000059.4 (MANE Select); coding-DNA position 4433, T replaced by G.
Protein change: p.Leu1478Arg; replaces leucine 1478 with arginine.
Molecular consequence: missense variant.
Genome position (GRCh38, 1-based): chr13:32,338,788, T>G. VCF-style: chr13-32338788-T-G. GRCh37 (hg19) VCF-style: chr13-32912925-T-G.
Other names: short protein forms L1478R.
Identifiers: ClinVar variation 531347 (VCV000531347.10), dbSNP rs1382689372, ClinGen allele CA387781303.
Genomic context (GRCh38, chr13:32,338,788, plus strand): 5'-ATAACTTTTCCTTAAATTCTGAATTACATTCTGACATAAGAAAGAACAAAATGGACATTC[T>G]AAGTTATGAGGAAACAGACATAGTTAAACACAAAATACTGAAAGAAAGTGTCCCAGTTGG-3'
Protein context (NP_000050.3, residues 1468-1488): SDIRKNKMDI[Leu1478Arg]SYEETDIVKH

ClinVar aggregate classification (germline): Conflicting classifications of pathogenicity. Review status: criteria provided, conflicting classifications (1 of 4 stars). 2 submissions from 2 submitters: Uncertain significance (1); Likely benign (1). Last evaluated 2023-03-23.

Conditions:
Hereditary breast ovarian cancer syndrome. Also called: Hereditary breast and ovarian cancer syndrome (HBOC); BRCA1- and BRCA2-Associated Hereditary Breast and Ovarian Cancer; Hereditary breast and ovarian cancer syndrome; Breast and ovarian cancer; Hereditary breast and ovarian cancer; Hereditary breast and/or ovarian cancer syndrome. Identifiers: Orphanet 145, MedGen C0677776, MeSH D061325, MONDO:0003582. Disease mechanism: loss of function.
Hereditary cancer-predisposing syndrome. Also called: Hereditary neoplastic syndrome; Neoplastic Syndromes, Hereditary; Tumor predisposition; Hereditary Cancer Syndrome. Identifiers: Orphanet 140162, MedGen C0027672, MeSH D009386, MONDO:0015356.

Submissions (2):

University of Washington Department of Laboratory Medicine, University of Washington
Classification: Likely benign for Hereditary cancer-predisposing syndrome. Last evaluated: 2023-03-23. Review status: criteria provided, single submitter. Criteria: Dines et al. (Genet Med. 2020). Collection method: curation. Allele origin: germline.
Comment: Missense variant in a coldspot region where missense variants are very unlikely to be pathogenic (PMID:31911673).

BRCA2 exon 11 coldspot. Reclassification based on statistical prior probability.

Labcorp Genetics (formerly Invitae), Labcorp
Classification: Uncertain significance for Hereditary breast ovarian cancer syndrome. Last evaluated: 2017-11-08. Review status: criteria provided, single submitter. Criteria: Invitae Variant Classification Sherloc (09022015). Collection method: clinical testing. Allele origin: germline.
Comment: In summary, the available evidence is currently insufficient to determine the role of this variant in disease. Therefore, it has been classified as a Variant of Uncertain Significance. Algorithms developed to predict the effect of missense changes on protein structure and function do not agree on the potential impact of this missense change (SIFT: "Tolerated"; PolyPhen-2: "Possibly Damaging"; Align-GVGD: "Class C0"). This variant has not been reported in the literature in individuals with BRCA2-related disease. This variant is not present in population databases (ExAC no frequency). This sequence change replaces leucine with arginine at codon 1478 of the BRCA2 protein (p.Leu1478Arg). The leucine residue is weakly conserved and there is a moderate physicochemical difference between leucine and arginine.